The following is an entry in ClinVar:

NM_024312.5(GNPTAB):c.1230G>C (p.Met410Ile)

Gene: GNPTAB (N-acetylglucosamine-1-phosphate transferase subunits alpha and beta; minus strand). Cytogenetic location: 12q23.2.
Variant type: single nucleotide variant.
Coding change: c.1230G>C on transcript NM_024312.5 (MANE Select); coding-DNA position 1230, G replaced by C.
Protein change: p.Met410Ile; replaces methionine 410 with isoleucine.
Molecular consequence: missense variant.
Genome position (GRCh38, 1-based): chr12:101,770,075, C>G on the plus strand (G>C on the coding strand, the complement: GNPTAB is on the minus strand). VCF-style: chr12-101770075-C-G. GRCh37 (hg19) VCF-style: chr12-102163853-C-G.
Other names: short protein forms M410I.
Identifiers: ClinVar variation 2057422 (VCV002057422.1), dbSNP rs768603881, ClinGen allele CA6746679.

ClinVar aggregate classification (germline): Uncertain significance (1 of 4 stars; one submission).

Conditions:
Pseudo-Hurler polydystrophy. Also called: MUCOLIPIDOSIS IIIA; ML III; ML III ALPHA/BETA; Type III Mucolipidosis; ML IIIA; Mucolipidosis III Alpha/Beta. Identifiers: Orphanet 423461, Orphanet 577, MedGen C0033788, MONDO:0018931, OMIM 252600.
Mucolipidosis type II. Also called: Mucolipidosis II Alpha/Beta; ML II ALPHA/BETA; Mucolipidosis 2; ML 2; Inclusion cell disease; Leroy Disease. Identifiers: Orphanet 576, MedGen C2673377, MONDO:0009650, OMIM 252500.

Allele frequency attached by ClinVar (database versions not stated): ExAC 0.00002; gnomAD exomes 0.00002.
gnomAD v4.1: 30 of 1,614,068 alleles (0.0019%); highest among the groups gnomAD compares: Middle Eastern, 0.066%; no homozygotes.

Submission:

Labcorp Genetics (formerly Invitae), Labcorp
Classification: Uncertain significance for Pseudo-Hurler polydystrophy; Mucolipidosis type II. Last evaluated: 2022-02-24. Review status: criteria provided, single submitter. Criteria: Invitae Variant Classification Sherloc (09022015). Collection method: clinical testing. Allele origin: germline.
Comment: This sequence change replaces methionine, which is neutral and non-polar, with isoleucine, which is neutral and non-polar, at codon 410 of the GNPTAB protein (p.Met410Ile). This variant is present in population databases (rs768603881, gnomAD 0.004%). This variant has not been reported in the literature in individuals affected with GNPTAB-related conditions. Algorithms developed to predict the effect of missense changes on protein structure and function are either unavailable or do not agree on the potential impact of this missense change (SIFT: "Tolerated"; PolyPhen-2: "Probably Damaging"; Align-GVGD: "Class C0"). In summary, the available evidence is currently insufficient to determine the role of this variant in disease. Therefore, it has been classified as a Variant of Uncertain Significance.